The following is an entry in ClinVar:

NM_001126108.2(SLC12A3):c.*1674C>T

Gene: SLC12A3 (solute carrier family 12 member 3; plus strand). Cytogenetic location: 16q13.
Variant type: single nucleotide variant.
Coding change: c.*1674C>T on transcript NM_001126108.2 (MANE Select); 1674 bases downstream of the stop codon, C replaced by T.
Molecular consequence: 3 prime UTR variant.
Genome position (GRCh38, 1-based): chr16:56,915,079, C>T. VCF-style: chr16-56915079-C-T. GRCh37 (hg19) VCF-style: chr16-56948991-C-T.
Other names: c.*1674C>T (NM_000339.3, NM_001126107.2).
Identifiers: ClinVar variation 319955 (VCV000319955.6), dbSNP rs3812963, ClinGen allele CA10643932.

ClinVar aggregate classification (germline): Benign. Review status: criteria provided, multiple submitters, no conflicts (2 of 4 stars). 2 submissions from 2 submitters: Benign (2). Last evaluated 2018-01-12.

Conditions:
Familial hypokalemia-hypomagnesemia (GTLMNS). Also called: gitelman syndrome; HYPOMAGNESEMIA-HYPOKALEMIA, PRIMARY RENOTUBULAR, WITH HYPOCALCIURIA; POTASSIUM AND MAGNESIUM DEPLETION. Identifiers: Orphanet 358, MedGen C0268450, MONDO:0009904, OMIM 263800.

Allele frequency attached by ClinVar (database versions not stated): gnomAD 0.09905 and 0.10488; gnomAD exomes 0.10000; TOPMed 0.10575; 1000 Genomes Project 30x 0.14116; 1000 Genomes Project 0.14477.
gnomAD v4.1: 16,005 of 152,290 alleles (11%); highest among the groups gnomAD compares: East Asian, 28%; 1,139 homozygotes.

Submissions (2):

Illumina Laboratory Services, Illumina
Classification: Benign for Familial hypokalemia-hypomagnesemia. Last evaluated: 2018-01-12. Review status: criteria provided, single submitter. Criteria: ICSL Variant Classification Criteria 13 December 2019. Collection method: clinical testing. Allele origin: germline.
Comment: This variant was observed in the ICSL laboratory as part of a predisposition screen in an ostensibly healthy population. It had not been previously curated by ICSL or reported in the Human Gene Mutation Database (HGMD: prior to June 1st, 2018), and was therefore a candidate for classification through an automated scoring system. Utilizing variant allele frequency, disease prevalence and penetrance estimates, and inheritance mode, an automated score was calculated to assess if this variant is too frequent to cause the disease. Based on the score and internal cut-off values, a variant classified as benign is not then subjected to further curation. The score for this variant resulted in a classification of benign for this disease.

Breakthrough Genomics
Classification: Benign. Review status: criteria provided, single submitter. Criteria: ACMG Guidelines, 2015. Collection method: not provided. Allele origin: germline. Inheritance: Autosomal recessive inheritance. Affected: yes.